The following is an entry in ClinVar:

NM_000258.3(MYL3):c.91C>A (p.Arg31Ser)

Gene: MYL3 (myosin light chain 3; minus strand). Cytogenetic location: 3p21.31.
Variant type: single nucleotide variant.
Coding change: c.91C>A on transcript NM_000258.3 (MANE Select); coding-DNA position 91, C replaced by A.
Protein change: p.Arg31Ser; replaces arginine 31 with serine.
Molecular consequence: missense variant.
Genome position (GRCh38, 1-based): chr3:46,863,300, G>T on the plus strand (C>A on the coding strand, the complement: MYL3 is on the minus strand). VCF-style: chr3-46863300-G-T. GRCh37 (hg19) VCF-style: chr3-46904790-G-T.
Other names: short protein forms R31S.
Identifiers: ClinVar variation 1474126 (VCV001474126.8), dbSNP rs377026344, ClinGen allele CA352499607.

ClinVar aggregate classification (germline): Uncertain significance (1 of 4 stars; one submission).

Conditions:
Hypertrophic cardiomyopathy. Also called: HYPERTROPHIC MYOCARDIOPATHY. Identifiers: Orphanet 217569, MedGen C0007194, MeSH D002312, MONDO:0005045, HP:0001639.

gnomAD v4.1: 4 of 1,614,094 alleles (0.00025%); highest among the groups gnomAD compares: Non-Finnish European, 0.00017%; no homozygotes.

Submission:

Labcorp Genetics (formerly Invitae), Labcorp
Classification: Uncertain significance for Hypertrophic cardiomyopathy. Last evaluated: 2025-07-27. Review status: criteria provided, single submitter. Criteria: Invitae Variant Classification Sherloc (09022015). Collection method: clinical testing. Allele origin: germline.
Comment: This sequence change replaces arginine, which is basic and polar, with serine, which is neutral and polar, at codon 31 of the MYL3 protein (p.Arg31Ser). This variant is not present in population databases (gnomAD no frequency). This variant has not been reported in the literature in individuals affected with MYL3-related conditions. ClinVar contains an entry for this variant (Variation ID: 1474126). Experimental studies and prediction algorithms are not available or were not evaluated, and the functional significance of this variant is currently unknown. In summary, the available evidence is currently insufficient to determine the role of this variant in disease. Therefore, it has been classified as a Variant of Uncertain Significance.